The following is an entry in ClinVar:

ClinVar aggregate classification (germline): Uncertain significance. Review status: criteria provided, multiple submitters, no conflicts (2 of 4 stars). 2 submissions from 2 submitters: Uncertain significance (2). Last evaluated 2026-08-19.

Conditions:
Cardiovascular phenotype. Identifiers: MedGen CN230736.
Anterior segment dysgenesis. Also called: Ocular anterior segment dysgenesis. Identifiers: Orphanet 88632, MedGen C1862839, MONDO:0019503, HP:0007700.
Congenital primary aphakia. Also called: ANTERIOR SEGMENT DYSGENESIS 2; Anterior segment dysgenesis 2, multiple subtypes. Identifiers: Orphanet 83461, MedGen C1853230, MONDO:0012456, OMIM 610256.

Submissions (2):

Ambry Genetics
Classification: Uncertain significance for Cardiovascular phenotype. Last evaluated: 2026-08-19. Review status: criteria provided, single submitter. Criteria: Ambry Variant Classification Scheme 2023. Collection method: clinical testing. Allele origin: germline.
Comment: The p.A45T variant (also known as c.133G>A), located in coding exon 1 of the FOXE3 gene, results from a G to A substitution at nucleotide position 133. The alanine at codon 45 is replaced by threonine, an amino acid with similar properties. This amino acid position is conserved. In addition, this alteration is predicted to be tolerated by in silico analysis. Based on the available evidence, the clinical significance of this variant remains unclear.

Labcorp Genetics (formerly Invitae), Labcorp
Classification: Uncertain significance for Anterior segment dysgenesis; Congenital primary aphakia. Last evaluated: 2025-11-22. Review status: criteria provided, single submitter. Criteria: Invitae Variant Classification Sherloc (09022015). Collection method: clinical testing. Allele origin: germline.
Comment: This sequence change replaces alanine, which is neutral and non-polar, with threonine, which is neutral and polar, at codon 45 of the FOXE3 protein (p.Ala45Thr). The frequency data for this variant in the population databases is considered unreliable, as metrics indicate insufficient coverage at this position in the gnomAD database. This variant has not been reported in the literature in individuals affected with FOXE3-related conditions. Invitae Evidence Modeling of protein sequence and biophysical properties (such as structural, functional, and spatial information, amino acid conservation, physicochemical variation, residue mobility, and thermodynamic stability) indicates that this missense variant is not expected to disrupt FOXE3 protein function with a negative predictive value of 80%. In summary, the available evidence is currently insufficient to determine the role of this variant in disease. Therefore, it has been classified as a Variant of Uncertain Significance.

NM_012186.3(FOXE3):c.133G>A (p.Ala45Thr)

Genes: FOXE3 (forkhead box E3; plus strand), LINC01389 (long independently transcribed non-coding RNA 1389; minus strand). Cytogenetic location: 1p33.
Variant type: single nucleotide variant.
Coding change: c.133G>A on transcript NM_012186.3 (MANE Select); coding-DNA position 133, G replaced by A.
Protein change: p.Ala45Thr; replaces alanine 45 with threonine.
Molecular consequence: missense variant.
Genome position (GRCh38, 1-based): chr1:47,416,448, G>A. VCF-style: chr1-47416448-G-A. GRCh37 (hg19) VCF-style: chr1-47882120-G-A.
Other names: c.133G>A (NM_012186.2); short protein forms A45T.
Identifiers: ClinVar variation 4793326 (VCV004793326.2).